The following is an entry in ClinVar:

NM_020207.7(ERCC6L2):c.433A>C (p.Ile145Leu)

Gene: ERCC6L2 (ERCC excision repair 6 like 2; plus strand). Cytogenetic location: 9q22.32.
Variant type: single nucleotide variant.
Coding change: c.433A>C on transcript NM_020207.7 (MANE Select); coding-DNA position 433, A replaced by C.
Protein change: p.Ile145Leu; replaces isoleucine 145 with leucine.
Molecular consequence: missense variant. On other transcripts: non-coding transcript variant (1).
Genome position (GRCh38, 1-based): chr9:95,881,255, A>C. VCF-style: chr9-95881255-A-C. GRCh37 (hg19) VCF-style: chr9-98643537-A-C.
Other names: c.433A>C, p.Ile145Leu (NM_001010895.4, NM_001375291.1, NM_001375292.1 and 2 more transcripts); short protein forms I145L.
Identifiers: ClinVar variation 3509985 (VCV003509985.3).

ClinVar aggregate classification (germline): Uncertain significance. Review status: criteria provided, multiple submitters, no conflicts (2 of 4 stars). 2 submissions from 2 submitters: Uncertain significance (2). Last evaluated 2024-11-25.

Conditions:
Inborn genetic diseases. Identifiers: MedGen C0950123, MeSH D030342.

Submissions (2):

Ambry Genetics
Classification: Uncertain significance for Inborn genetic diseases. Last evaluated: 2024-11-25. Review status: criteria provided, single submitter. Criteria: Ambry Variant Classification Scheme 2023. Collection method: clinical testing. Allele origin: germline.
Comment: The p.I145L variant (also known as c.433A>C), located in coding exon 2 of the ERCC6L2 gene, results from an A to C substitution at nucleotide position 433. The isoleucine at codon 145 is replaced by leucine, an amino acid with highly similar properties. This amino acid position is conserved. In addition, the in silico prediction for this alteration is inconclusive. Based on the available evidence, the clinical significance of this variant remains unclear.

Labcorp Genetics (formerly Invitae), Labcorp
Classification: Uncertain significance. Last evaluated: 2024-03-27. Review status: criteria provided, single submitter. Criteria: Invitae Variant Classification Sherloc (09022015). Collection method: clinical testing. Allele origin: germline.
Comment: This sequence change replaces isoleucine, which is neutral and non-polar, with leucine, which is neutral and non-polar, at codon 156 of the ERCC6L2 protein (p.Ile156Leu). This variant is not present in population databases (gnomAD no frequency). This variant has not been reported in the literature in individuals affected with ERCC6L2-related conditions. Experimental studies and prediction algorithms are not available or were not evaluated, and the functional significance of this variant is currently unknown. In summary, the available evidence is currently insufficient to determine the role of this variant in disease. Therefore, it has been classified as a Variant of Uncertain Significance.